The following is an entry in ClinVar:

ClinVar aggregate classification (germline): Conflicting classifications of pathogenicity. Review status: criteria provided, conflicting classifications (1 of 4 stars). 2 submissions from 2 submitters: Uncertain significance (1); Likely benign (1). Last evaluated 2025-10-01.

Allele frequency attached by ClinVar (database versions not stated): ExAC 0.00003; ESP Exome Variant Server 0.00008; gnomAD 0.00008; TOPMed 0.00009; 1000 Genomes Project 0.00020; 1000 Genomes Project 30x 0.00031.
gnomAD v4.1: 21 of 1,614,218 alleles (0.0013%); highest among the groups gnomAD compares: African/African-American, 0.028%; no homozygotes.

Submissions (2):

Labcorp Genetics (formerly Invitae), Labcorp
Classification: Uncertain significance. Last evaluated: 2025-10-01. Review status: criteria provided, single submitter. Criteria: Invitae Variant Classification Sherloc (09022015). Collection method: clinical testing. Allele origin: germline.
Comment: This sequence change replaces aspartic acid, which is acidic and polar, with valine, which is neutral and non-polar, at codon 3551 of the KMT2A protein (p.Asp3551Val). This variant is present in population databases (rs141407877, gnomAD 0.04%). This variant has not been reported in the literature in individuals affected with KMT2A-related conditions. ClinVar contains an entry for this variant (Variation ID: 2168469). Invitae Evidence Modeling of protein sequence and biophysical properties (such as structural, functional, and spatial information, amino acid conservation, physicochemical variation, residue mobility, and thermodynamic stability) has been performed for this missense variant. However, the output from this modeling did not meet the statistical confidence thresholds required to predict the impact of this variant on KMT2A protein function. In summary, the available evidence is currently insufficient to determine the role of this variant in disease. Therefore, it has been classified as a Variant of Uncertain Significance.

Blueprint Genetics
Classification: Likely benign. Last evaluated: 2022-10-25. Review status: criteria provided, single submitter. Criteria: ACMG Guidelines, 2015. Collection method: clinical testing. Allele origin: germline.

NM_001197104.2(KMT2A):c.10652A>T (p.Asp3551Val)

Gene: KMT2A (lysine methyltransferase 2A; plus strand). Cytogenetic location: 11q23.3.
Variant type: single nucleotide variant.
Coding change: c.10652A>T on transcript NM_001197104.2 (MANE Select); coding-DNA position 10652, A replaced by T.
Protein change: p.Asp3551Val; replaces aspartic acid 3551 with valine.
Molecular consequence: missense variant.
Genome position (GRCh38, 1-based): chr11:118,506,544, A>T. VCF-style: chr11-118506544-A-T. GRCh37 (hg19) VCF-style: chr11-118377259-A-T.
Other names: c.10742A>T, p.Asp3581Val (NM_001412597.1); c.10643A>T, p.Asp3548Val (NM_005933.4); short protein forms D3551V, D3581V, D3548V.
Identifiers: ClinVar variation 2168469 (VCV002168469.5), dbSNP rs141407877, ClinGen allele CA6304782.